The following is an entry in ClinVar:

ClinVar aggregate classification (germline): Uncertain significance (1 of 4 stars; one submission).

Conditions:
Hereditary cancer-predisposing syndrome. Also called: Tumor predisposition; Hereditary Cancer Syndrome; Hereditary neoplastic syndrome; Neoplastic Syndromes, Hereditary. Identifiers: Orphanet 140162, MedGen C0027672, MeSH D009386, MONDO:0015356.

Submission:

Ambry Genetics
Classification: Uncertain significance for Hereditary cancer-predisposing syndrome. Last evaluated: 2024-05-10. Review status: criteria provided, single submitter. Criteria: Ambry Variant Classification Scheme 2023. Collection method: clinical testing. Allele origin: germline.
Comment: The p.P785T variant (also known as c.2353C>A), located in coding exon 5 of the PALB2 gene, results from a C to A substitution at nucleotide position 2353. The proline at codon 785 is replaced by threonine, an amino acid with highly similar properties. This amino acid position is conserved. In addition, this alteration is predicted to be tolerated by in silico analysis. Based on the available evidence, the clinical significance of this variant remains unclear.

NM_024675.4(PALB2):c.2353C>A (p.Pro785Thr)

Gene: PALB2 (partner and localizer of BRCA2; minus strand). Cytogenetic location: 16p12.2.
Variant type: single nucleotide variant.
Coding change: c.2353C>A on transcript NM_024675.4 (MANE Select); coding-DNA position 2353, C replaced by A.
Protein change: p.Pro785Thr; replaces proline 785 with threonine.
Molecular consequence: missense variant. On other transcripts: intron variant (1).
Genome position (GRCh38, 1-based): chr16:23,629,801, G>T on the plus strand (C>A on the coding strand, the complement: PALB2 is on the minus strand). VCF-style: chr16-23629801-G-T. GRCh37 (hg19) VCF-style: chr16-23641122-G-T.
Other names: c.2293C>A, p.Pro765Thr (NM_001407296.1); c.2353C>A, p.Pro785Thr (NM_001407297.1, NM_001407298.1, NM_001407299.1 and 3 more transcripts); c.1468C>A, p.Pro490Thr (NM_001407304.1, NM_001407305.1, NM_001407306.1 and 5 more transcripts); c.565C>A, p.Pro189Thr (NM_001407312.1, NM_001407313.1); c.49-526C>A (NM_001407314.1); short protein forms P189T, P490T, P765T, P785T.
Identifiers: ClinVar variation 3303982 (VCV003303982.1).